The following is an entry in ClinVar:

NM_001105206.3(LAMA4):c.2687G>T (p.Gly896Val)

Genes: LAMA4 (laminin subunit alpha 4; minus strand), LOC126859766 (MED14-independent group 3 enhancer GRCh37_chr6:112462018-112463217; plus strand). Cytogenetic location: 6q21.
Variant type: single nucleotide variant.
Coding change: c.2687G>T on transcript NM_001105206.3 (MANE Select); coding-DNA position 2687, G replaced by T.
Protein change: p.Gly896Val; replaces glycine 896 with valine.
Molecular consequence: missense variant.
Genome position (GRCh38, 1-based): chr6:112,141,484, C>A on the plus strand (G>T on the coding strand, the complement: LAMA4 is on the minus strand). VCF-style: chr6-112141484-C-A. GRCh37 (hg19) VCF-style: chr6-112462686-C-A.
Other names: c.2666G>T, p.Gly889Val (NM_001105207.3, NM_002290.5); c.2666G>T (NM_002290.3); short protein forms G896V, G889V.
Identifiers: ClinVar variation 915660 (VCV000915660.5), dbSNP rs1779691345, ClinGen allele CA365380385.

ClinVar aggregate classification (germline): Uncertain significance. Review status: criteria provided, multiple submitters, no conflicts (2 of 4 stars). 2 submissions from 2 submitters: Uncertain significance (2). Last evaluated 2025-11-04.

Conditions:
Cardiovascular phenotype. Identifiers: MedGen CN230736.
Cardiomyopathy (CMYO). Also called: Cardiomyopathies. Identifiers: Orphanet 167848, MedGen C0878544, MONDO:0004994, HP:0001638. Inheritance: Various modes of inheritance.

Allele frequency attached by ClinVar (database versions not stated): TOPMed below 0.00001; gnomAD exomes 0.00001.
gnomAD v4.1: 7 of 1,607,386 alleles (0.00044%); highest among the groups gnomAD compares: South Asian, 0.0022%; no homozygotes.

Submissions (2):

Ambry Genetics
Classification: Uncertain significance for Cardiovascular phenotype. Last evaluated: 2025-11-04. Review status: criteria provided, single submitter. Criteria: Ambry Variant Classification Scheme 2023. Collection method: clinical testing. Allele origin: germline.
Comment: The p.G889V variant (also known as c.2666G>T), located in coding exon 20 of the LAMA4 gene, results from a G to T substitution at nucleotide position 2666. The glycine at codon 889 is replaced by valine, an amino acid with dissimilar properties. This amino acid position is conserved. In addition, this alteration is predicted to be deleterious by in silico analysis. Based on the available evidence, the clinical significance of this variant remains unclear.

CHEO Genetics Diagnostic Laboratory, Children's Hospital of Eastern Ontario
Classification: Uncertain significance for Cardiomyopathy. Last evaluated: 2018-01-19. Review status: criteria provided, single submitter. Criteria: ACMG Guidelines, 2015. Collection method: clinical testing. Allele origin: germline.